The following is an entry in ClinVar:

ClinVar aggregate classification (germline): Benign/Likely benign. Review status: criteria provided, multiple submitters, no conflicts (2 of 4 stars). 3 submissions from 3 submitters: Benign (1); Likely benign (2). Last evaluated 2026-05-22.

Conditions:
Hereditary cancer-predisposing syndrome. Also called: Neoplastic Syndromes, Hereditary; Tumor predisposition; Hereditary neoplastic syndrome; Hereditary Cancer Syndrome. Identifiers: Orphanet 140162, MedGen C0027672, MeSH D009386, MONDO:0015356.
Cardiovascular phenotype. Identifiers: MedGen CN230736.
Neurofibromatosis, type 1 (NF1). Also called: Neurofibromatosis, type I; NEUROFIBROMATOSIS, TYPE I, SOMATIC; Peripheral type neurofibromatosis; VON RECKLINGHAUSEN DISEASE. Identifiers: Orphanet 636, MedGen C0027831, MONDO:0018975, OMIM 162200. Disease mechanism: loss of function.

Submissions (3):

Myriad Genetics, Inc.
Classification: Benign for Neurofibromatosis, type 1. Last evaluated: 2026-05-22. Review status: criteria provided, single submitter. Criteria: Myriad Autosomal Dominant, Autosomal Recessive and X-Linked Classification Criteria (2023). Collection method: clinical testing. Allele origin: unknown.
Comment: This variant is considered benign. This variant is a silent/synonymous amino acid change and it is not expected to impact splicing.

Labcorp Genetics (formerly Invitae), Labcorp
Classification: Likely benign for Neurofibromatosis, type 1. Last evaluated: 2022-09-06. Review status: criteria provided, single submitter. Criteria: Invitae Variant Classification Sherloc (09022015). Collection method: clinical testing. Allele origin: germline.

Ambry Genetics
Classification: Likely benign for Cardiovascular phenotype; Hereditary cancer-predisposing syndrome. Last evaluated: 2021-12-15. Review status: criteria provided, single submitter. Criteria: Ambry Variant Classification Scheme 2023. Collection method: clinical testing. Allele origin: germline.

NM_001042492.3(NF1):c.8184T>C (p.Ala2728=)

Gene: NF1 (neurofibromin 1; plus strand). Cytogenetic location: 17q11.2.
Variant type: single nucleotide variant.
Coding change: c.8184T>C on transcript NM_001042492.3 (MANE Select); coding-DNA position 8184, T replaced by C.
Protein change: p.Ala2728=; no amino-acid change (alanine 2728 retained).
Molecular consequence: synonymous variant.
Genome position (GRCh38, 1-based): chr17:31,360,510, T>C. VCF-style: chr17-31360510-T-C. GRCh37 (hg19) VCF-style: chr17-29687528-T-C.
Other names: c.8121T>C, p.Ala2707= (NM_000267.4).
Identifiers: ClinVar variation 1762094 (VCV001762094.8), dbSNP rs1597870116, ClinGen allele CA499348328.